The following is an entry in ClinVar:

NM_003321.5(TUFM):c.817+19C>G

Gene: TUFM (Tu translation elongation factor, mitochondrial; minus strand). Cytogenetic location: 16p11.2.
Variant type: single nucleotide variant.
Coding change: c.817+19C>G on transcript NM_003321.5 (MANE Select); 19 bases into the intron after coding-DNA position 817, C replaced by G.
Molecular consequence: intron variant.
Genome position (GRCh38, 1-based): chr16:28,844,400, G>C on the plus strand (C>G on the coding strand, the complement: TUFM is on the minus strand). VCF-style: chr16-28844400-G-C. GRCh37 (hg19) VCF-style: chr16-28855721-G-C.
Other names: c.817+19C>G (NM_001365360.2).
Identifiers: ClinVar variation 515628 (VCV000515628.1), dbSNP rs376530137, ClinGen allele CA7985534.

ClinVar aggregate classification (germline): Likely benign (1 of 4 stars; one submission).

Allele frequency attached by ClinVar (database versions not stated): TOPMed 0.00001; ExAC 0.00002; gnomAD 0.00003; ESP Exome Variant Server 0.00008.

Submission:

GeneDx
Classification: Likely benign. Last evaluated: 2018-03-01. Review status: criteria provided, single submitter. Criteria: GeneDx Variant Classification (06012015). Collection method: clinical testing. Allele origin: germline. Affected: yes.
Comment: This variant is considered likely benign or benign based on one or more of the following criteria: it is a conservative change, it occurs at a poorly conserved position in the protein, it is predicted to be benign by multiple in silico algorithms, and/or has population frequency not consistent with disease.